The following is an entry in ClinVar:

ClinVar aggregate classification (germline): Pathogenic (1 of 4 stars; one submission).

Conditions:
Hypertrophic cardiomyopathy. Also called: HYPERTROPHIC MYOCARDIOPATHY. Identifiers: Orphanet 217569, MedGen C0007194, MeSH D002312, MONDO:0005045, HP:0001639.

Submission:

Labcorp Genetics (formerly Invitae), Labcorp
Classification: Pathogenic for Hypertrophic cardiomyopathy. Last evaluated: 2020-10-29. Review status: criteria provided, single submitter. Criteria: Invitae Variant Classification Sherloc (09022015). Collection method: clinical testing. Allele origin: germline.
Comment: For these reasons, this variant has been classified as Pathogenic. Loss-of-function variants in MYBPC3 are known to be pathogenic (PMID: 19574547). This variant has not been reported in the literature in individuals with MYBPC3-related conditions. This variant is not present in population databases (ExAC no frequency). This sequence change creates a premature translational stop signal (p.His524Thrfs*31) in the MYBPC3 gene. It is expected to result in an absent or disrupted protein product.

Literature cited by the submitters: PubMed 19574547.

NM_000256.3(MYBPC3):c.1569del (p.His524fs)

Gene: MYBPC3 (myosin binding protein C3; minus strand). Cytogenetic location: 11p11.2.
Variant type: Deletion.
Coding change: c.1569del on transcript NM_000256.3 (MANE Select); coding-DNA position 1569, one base deleted (G; older notation c.1569delG).
Protein change: p.His524fs; shifts the reading frame from histidine 524.
Molecular consequence: frameshift variant.
Genome position (GRCh38, 1-based): chr11:47,342,633, C deleted on the plus strand (G on the coding strand, the reverse complement: MYBPC3 is on the minus strand); the first of 4 consecutive C bases (chr11:47,342,633-47,342,636); deleting any one gives the same sequence. VCF-style (leftmost placement, unchanged base first): chr11-47342632-GC-G. GRCh37 (hg19) VCF-style: chr11-47364183-GC-G.
Other names: short protein forms H524fs.
Identifiers: ClinVar variation 835859 (VCV000835859.7), dbSNP rs2095889902, ClinGen allele CA916081647.